The following is an entry in ClinVar:

NM_213606.4(SLC16A12):c.113G>A (p.Arg38Gln)

Genes: SLC16A12 (solute carrier family 16 member 12; minus strand), SLC16A12-AS1 (SLC16A12 antisense RNA 1; plus strand). Cytogenetic location: 10q23.31.
Variant type: single nucleotide variant.
Coding change: c.113G>A on transcript NM_213606.4 (MANE Select); coding-DNA position 113, G replaced by A.
Protein change: p.Arg38Gln; replaces arginine 38 with glutamine.
Molecular consequence: missense variant.
Genome position (GRCh38, 1-based): chr10:89,462,466, C>T on the plus strand (G>A on the coding strand, the complement: SLC16A12 is on the minus strand). VCF-style: chr10-89462466-C-T. GRCh37 (hg19) VCF-style: chr10-91222223-C-T.
Other names: short protein forms R38Q.
Identifiers: ClinVar variation 1313505 (VCV001313505.2), dbSNP rs1250369796, ClinGen allele CA377528939.
Genomic context (GRCh38, chr10:89,462,466, plus strand): 5'-ACAAGGAAACAGCCAGCCACAATCATCCAGCCCCAGCCTCCATCTGGAGGGGAGGTAGAC[C>T]GAGCTCTATTTACTTTTGCCATGGTTTTTCTTTTTTCTTCTTTTCCAGGTTGCTCCAACA-3'
Protein context (NP_998771.3, residues 28-48): RKTMAKVNRA[Arg38Gln]STSPPDGGWG

ClinVar aggregate classification (germline): Uncertain significance (1 of 4 stars; one submission).

Allele frequency attached by ClinVar (database versions not stated): gnomAD exomes 0.00001 and 0.00002; TOPMed 0.00001.
gnomAD v4.1: 22 of 1,614,000 alleles (0.0014%); highest among the groups gnomAD compares: South Asian, 0.0055%; no homozygotes.

Submission:

GeneDx
Classification: Uncertain significance. Last evaluated: 2020-10-26. Review status: criteria provided, single submitter. Criteria: GeneDx Variant Classification Process June 2021. Collection method: clinical testing. Allele origin: germline. Affected: yes.
Comment: In silico analysis supports that this missense variant does not alter protein structure/function; Has not been previously published as pathogenic or benign to our knowledge